The following is an entry in ClinVar:

NM_182493.3(MYLK3):c.694C>T (p.Pro232Ser)

Gene: MYLK3 (myosin light chain kinase 3; minus strand). Cytogenetic location: 16q11.2.
Variant type: single nucleotide variant.
Coding change: c.694C>T on transcript NM_182493.3 (MANE Select); coding-DNA position 694, C replaced by T.
Protein change: p.Pro232Ser; replaces proline 232 with serine.
Molecular consequence: missense variant. On other transcripts: intron variant (1).
Genome position (GRCh38, 1-based): chr16:46,738,018, G>A on the plus strand (C>T on the coding strand, the complement: MYLK3 is on the minus strand). VCF-style: chr16-46738018-G-A. GRCh37 (hg19) VCF-style: chr16-46771930-G-A.
Other names: c.-23+2039C>T (NM_001308301.1); short protein forms P232S.
Identifiers: ClinVar variation 2174137 (VCV002174137.4), dbSNP rs1025157257, ClinGen allele CA280235998.

ClinVar aggregate classification (germline): Uncertain significance (1 of 4 stars; one submission).

Allele frequency attached by ClinVar (database versions not stated): TOPMed 0.00002.

Submission:

Labcorp Genetics (formerly Invitae), Labcorp
Classification: Uncertain significance. Last evaluated: 2022-12-25. Review status: criteria provided, single submitter. Criteria: Invitae Variant Classification Sherloc (09022015). Collection method: clinical testing. Allele origin: germline.
Comment: This sequence change replaces proline, which is neutral and non-polar, with serine, which is neutral and polar, at codon 232 of the MYLK3 protein (p.Pro232Ser). This variant is present in population databases (no rsID available, gnomAD 0.003%). This variant has not been reported in the literature in individuals affected with MYLK3-related conditions. Algorithms developed to predict the effect of missense changes on protein structure and function (SIFT, PolyPhen-2, Align-GVGD) all suggest that this variant is likely to be tolerated. In summary, the available evidence is currently insufficient to determine the role of this variant in disease. Therefore, it has been classified as a Variant of Uncertain Significance.